The following is an entry in ClinVar:

NM_005188.4(CBL):c.1477C>T (p.Leu493Phe)

Gene: CBL (Cbl proto-oncogene; plus strand). Cytogenetic location: 11q23.3.
Variant type: single nucleotide variant.
Coding change: c.1477C>T on transcript NM_005188.4 (MANE Select); coding-DNA position 1477, C replaced by T.
Protein change: p.Leu493Phe; replaces leucine 493 with phenylalanine.
Molecular consequence: missense variant.
Genome position (GRCh38, 1-based): chr11:119,285,014, C>T. VCF-style: chr11-119285014-C-T. GRCh37 (hg19) VCF-style: chr11-119155724-C-T.
Other names: p.L493F:CTT>TTT; short protein forms L493F.
Identifiers: ClinVar variation 180819 (VCV000180819.26), dbSNP rs730880434, ClinGen allele CA295996.

ClinVar aggregate classification (germline): Conflicting classifications of pathogenicity. Review status: criteria provided, conflicting classifications (1 of 4 stars). 8 submissions from 8 submitters: Uncertain significance (6); Likely benign (2). Last evaluated 2026-05-21.

Conditions:
CBL-related disorder. Also called: CBL MUTATION-ASSOCIATED SYNDROME; CBL SYNDROME; NOONAN SYNDROME-LIKE DISORDER WITHOUT JUVENILE MYELOMONOCYTIC LEUKEMIA. Identifiers: Orphanet 363972, MedGen C3150803, MONDO:0013308, OMIM 613563.
Inborn genetic diseases. Identifiers: MedGen C0950123, MeSH D030342.
RASopathy. Also called: rasopathies; Noonan spectrum disorder. Identifiers: Orphanet 536391, MedGen C5555857, MONDO:0021060.

Allele frequency attached by ClinVar (database versions not stated): gnomAD exomes 0.00010; TOPMed 0.00008; gnomAD 0.00004; ExAC 0.00012.
gnomAD v4.1: 150 of 1,614,068 alleles (0.0093%); highest among the groups gnomAD compares: Non-Finnish European, 0.011%; no homozygotes.

Submissions (8):

Women's Health and Genetics/Laboratory Corporation of America, LabCorp
Classification: Likely benign. Last evaluated: 2026-05-21. Review status: criteria provided, single submitter. Criteria: LabCorp Variant Classification Summary - May 2015. Collection method: clinical testing. Allele origin: germline.
Comment: Variant summary: CBL c.1477C>T (p.Leu493Phe) results in a non-conservative amino acid change in the encoded protein sequence. Algorithms developed to predict the effect of missense changes on protein structure and function are either unavailable or do not agree on the potential impact of this missense change. The variant allele was found at a frequency of 9.5e-05 in 251480 control chromosomes, predominantly at a frequency of 0.00015 within the Non-Finnish European subpopulation in the gnomAD database. The observed variant frequency within Non-Finnish European control individuals in the gnomAD database exceeds the estimated maximal expected allele frequency for disease-causing variants in CBL. c.1477C>T has been reported in the literature in individuals affected with CBL- related conditions (examples: Matthews_2022, Norris_2021). These reports do not provide unequivocal conclusions about association of the variant with disease. To our knowledge, no experimental evidence demonstrating an impact on protein function has been reported. The following publications have been ascertained in the context of this evaluation (PMID: 35858754, 33550024). ClinVar contains an entry for this variant (Variation ID: 180819). Based on the evidence outlined above, the variant was classified as likely benign.

Labcorp Genetics (formerly Invitae), Labcorp
Classification: Likely benign for RASopathy. Last evaluated: 2026-01-06. Review status: criteria provided, single submitter. Criteria: Invitae Variant Classification Sherloc (09022015). Collection method: clinical testing. Allele origin: germline.

St. Jude Molecular Pathology, St. Jude Children's Research Hospital
Classification: Uncertain significance for CBL-related disorder. Last evaluated: 2024-06-21. Review status: criteria provided, single submitter. Criteria: St. Jude Assertion Criteria 2020. Collection method: clinical testing. Allele origin: germline.
Comment: The CBL c.1477C>T (p.Leu493Phe) missense change has a maximum subpopulation frequency of 0.015% in gnomAD v2.1.1. The in silico tool REVEL is inconclusive about a pathogenic or benign effect of this variant on protein function, and to our knowledge functional studies have not been performed. To our knowledge, this variant has not been reported in individuals with Noonan syndrome-like disorders. In summary, the evidence currently available is insufficient to determine the clinical significance of this variant. It has therefore been classified as of uncertain significance.

Revvity Omics, Revvity
Classification: Uncertain significance. Last evaluated: 2021-11-30. Review status: criteria provided, single submitter. Criteria: ACMG Guidelines, 2015. Collection method: clinical testing. Allele origin: germline.

Genetic Services Laboratory, University of Chicago
Classification: Uncertain significance. Last evaluated: 2019-10-15. Review status: criteria provided, single submitter. Criteria: ACMG Guidelines, 2015. Collection method: clinical testing. Allele origin: germline. Affected: no.

Illumina Laboratory Services, Illumina
Classification: Uncertain significance for CBL-related disorder. Last evaluated: 2017-04-27. Review status: criteria provided, single submitter. Criteria: ICSL Variant Classification Criteria 13 December 2019. Collection method: clinical testing. Allele origin: germline.

Ambry Genetics
Classification: Uncertain significance for Inborn genetic diseases. Last evaluated: 2017-01-23. Review status: criteria provided, single submitter. Criteria: Ambry exome assertion method (8-5-2015). Collection method: clinical testing. Allele origin: germline. Affected: yes. Observed: 1 variant allele.

GeneDx
Classification: Uncertain significance. Last evaluated: 2014-12-01. Review status: criteria provided, single submitter. Criteria: GeneDx Variant Classification (06012015). Collection method: clinical testing. Allele origin: germline. Affected: yes.
Comment: This variant is denoted p.Leu493Phe (L493F) at the protein level, c.1477 C>T at the cDNA level and results in the change of a Leucine for a Phenylalanine (CTT>TTT) in exon 10 of the CBL gene (NM_005188.2). The L493F missense substitution has not been published as a mutation, nor has it been reported as a benign polymorphism to our knowledge. The NHLBI ESP Exome Variant Server reports L493F was not observed in approximately 6,500 samples from individuals of European and African American backgrounds, indicating it is not a common benign variant in these populations. The L493F variant is a conservative amino acid substitution since both Leucine and Phenylalanine are neutral non-polar residues; however, Leucine is highly conserved at this position across species. Therefore, based on the currently available information, it is unclear whether L493F is a disease-causing mutation or a rare benign variant. The variant is found in CBL panel(s).

Literature cited by the submitters: PubMed 33550024 (cited by Women's Health and Genetics/Laboratory Corporation of America, LabCorp); PubMed 35858754 (cited by Women's Health and Genetics/Laboratory Corporation of America, LabCorp).